The following is an entry in ClinVar:

NM_002907.4(RECQL):c.1216+5G>A

Gene: RECQL (RecQ like helicase; minus strand). Cytogenetic location: 12p12.1.
Variant type: single nucleotide variant.
Coding change: c.1216+5G>A on transcript NM_002907.4 (MANE Select); 5 bases into the intron after coding-DNA position 1216, G replaced by A.
Molecular consequence: intron variant.
Genome position (GRCh38, 1-based): chr12:21,475,463, C>T on the plus strand (G>A on the coding strand, the complement: RECQL is on the minus strand). VCF-style: chr12-21475463-C-T. GRCh37 (hg19) VCF-style: chr12-21628397-C-T.
Other names: c.1216+5G>A (NM_032941.3).
Identifiers: ClinVar variation 1514509 (VCV001514509.6), dbSNP rs1784202138, ClinGen allele CA2573148368.

ClinVar aggregate classification (germline): Uncertain significance (1 of 4 stars; one submission).

Submission:

Labcorp Genetics (formerly Invitae), Labcorp
Classification: Uncertain significance. Last evaluated: 2021-11-09. Review status: criteria provided, single submitter. Criteria: Invitae Variant Classification Sherloc (09022015). Collection method: clinical testing. Allele origin: germline.
Comment: Variants that disrupt the consensus splice site are a relatively common cause of aberrant splicing (PMID: 17576681, 9536098). Algorithms developed to predict the effect of sequence changes on RNA splicing suggest that this variant may disrupt the consensus splice site. In summary, the available evidence is currently insufficient to determine the role of this variant in disease. Therefore, it has been classified as a Variant of Uncertain Significance. This variant has not been reported in the literature in individuals affected with RECQL-related conditions. This variant is not present in population databases (gnomAD no frequency). This sequence change falls in intron 10 of the RECQL gene. It does not directly change the encoded amino acid sequence of the RECQL protein. It affects a nucleotide within the consensus splice site.

Literature cited by the submitters: PubMed 17576681; PubMed 9536098.